The following is an entry in ClinVar:

ClinVar aggregate classification (germline): Benign/Likely benign. Review status: criteria provided, multiple submitters, no conflicts (2 of 4 stars). 6 submissions from 6 submitters: Benign (2); Likely benign (3). 1 of the submissions does not count toward it. Last evaluated 2026-08-01.

Conditions:
DMXL2-related disorder. Also called: DMXL2-related condition.

Allele frequency attached by ClinVar (database versions not stated): 1000 Genomes Project 0.00200; 1000 Genomes Project 30x 0.00219; TOPMed 0.00261; ESP Exome Variant Server 0.00310; ExAC 0.00450.

Submissions (6):

CeGaT Center for Human Genetics Tuebingen
Classification: Likely benign. Last evaluated: 2026-08-01. Review status: criteria provided, single submitter. Criteria: CeGaT Center For Human Genetics Tuebingen Variant Classification Criteria Version 2. Collection method: clinical testing. Allele origin: germline. Affected: yes. Observed: 20 variant alleles.
Comment: DMXL2: BS2

Labcorp Genetics (formerly Invitae), Labcorp
Classification: Benign. Last evaluated: 2026-02-03. Review status: criteria provided, single submitter. Criteria: Invitae Variant Classification Sherloc (09022015). Collection method: clinical testing. Allele origin: germline.

ARUP Laboratories, Molecular Genetics and Genomics, ARUP Laboratories
Classification: Benign. Last evaluated: 2025-03-20. Review status: criteria provided, single submitter. Criteria: ARUP Molecular Germline Variant Investigation Process 2024. Collection method: clinical testing. Allele origin: germline.

Blueprint Genetics
Classification: Likely benign. Last evaluated: 2024-11-25. Review status: criteria provided, single submitter. Criteria: ACMG Guidelines, 2015. Collection method: clinical testing. Allele origin: germline.

Breakthrough Genomics
Classification: Likely benign. Review status: criteria provided, single submitter. Criteria: ACMG Guidelines, 2015. Collection method: not provided. Allele origin: germline. Inheritance: Autosomal recessive inheritance. Affected: yes.

PreventionGenetics, part of Exact Sciences
Classification: Benign for DMXL2-related condition. Last evaluated: 2020-03-18. Review status: no assertion criteria provided. Collection method: clinical testing. Allele origin: germline. Not counted in ClinVar's aggregate classification.
Comment: This variant is classified as benign based on ACMG/AMP sequence variant interpretation guidelines (Richards et al. 2015 PMID: 25741868, with internal and published modifications).

NM_001378457.1(DMXL2):c.23C>G (p.Thr8Ser)

Gene: DMXL2 (Dmx like 2; minus strand). Cytogenetic location: 15q21.2.
Variant type: single nucleotide variant.
Coding change: c.23C>G on transcript NM_001378457.1 (MANE Select); coding-DNA position 23, C replaced by G.
Protein change: p.Thr8Ser; replaces threonine 8 with serine.
Molecular consequence: missense variant. On other transcripts: non-coding transcript variant (2).
Genome position (GRCh38, 1-based): chr15:51,622,523, G>C on the plus strand (C>G on the coding strand, the complement: DMXL2 is on the minus strand). VCF-style: chr15-51622523-G-C. GRCh37 (hg19) VCF-style: chr15-51914720-G-C.
Other names: c.23C>G, p.Thr8Ser (NM_001174116.3, NM_001174117.3, NM_001378458.1 and 7 more transcripts); short protein forms T8S.
Identifiers: ClinVar variation 778996 (VCV000778996.54), dbSNP rs75378828, ClinGen allele CA7562975.